The following is an entry in ClinVar:

NM_000051.4(ATM):c.2590AGT[1] (p.Ser865del)

Gene: ATM (ATM serine/threonine kinase; plus strand). Cytogenetic location: 11q22.3.
Variant type: Microsatellite.
Coding change: c.2590AGT[1] on transcript NM_000051.4 (MANE Select); one copy of the 3-base unit AGT starting at c.2590; the reference has two copies in a row; one copy, 3 bases deleted; also written c.2593_2595del.
Protein change: p.Ser865del; deletes serine 865.
Molecular consequence: inframe deletion.
Genome position (GRCh38, 1-based): chr11:108,267,297-108,267,299, AGT deleted; deleting any 3 consecutive bases within chr11:108,267,293-108,267,299 gives the same sequence; the position shown is the placement nearest the transcript's 3' end. VCF-style (leftmost placement, unchanged base first): chr11-108267292-ATAG-A. GRCh37 (hg19) VCF-style: chr11-108138019-ATAG-A.
Other names: c.2593_2595del (NM_000051.4); c.2589_2591delTAG (NM_000051.3); c.2590AGT[1], p.Ser865del (NM_001351834.2); c.2593_2595delAGT (NM_000051.4); short protein forms S865del.
Identifiers: ClinVar variation 216851 (VCV000216851.20), dbSNP rs863224823, ClinGen allele CA335768.
Genomic context (GRCh38, chr11:108,267,292, plus strand): 5'-ATGGAAATCTAATGGAGGTGGAGGATCAGTCATCCATGAATCTATTTAACGATTACCCTG[ATAG>A]TAGTGTTAGTGATGCAAACGAACCTGGAGAGAGCCAAAGTACCATAGGTAAATACATATT-3'

ClinVar aggregate classification (germline): Uncertain significance. Review status: criteria provided, multiple submitters, no conflicts (2 of 4 stars). 4 submissions from 4 submitters: Uncertain significance (3). 1 of the submissions does not count toward it. Last evaluated 2026-01-14.

Conditions:
Hereditary cancer-predisposing syndrome. Also called: Tumor predisposition; Hereditary Cancer Syndrome; Neoplastic Syndromes, Hereditary; Hereditary neoplastic syndrome. Identifiers: Orphanet 140162, MedGen C0027672, MeSH D009386, MONDO:0015356.
Ataxia-telangiectasia syndrome (AT). Also called: Cerebello-oculocutaneous telangiectasia; Immunodeficiency with ataxia telangiectasia; Ataxia telangiectasia (A-T); LOUIS-BAR SYNDROME; ATAXIA-TELANGIECTASIA, COMPLEMENTATION GROUP A; ATAXIA-TELANGIECTASIA, FRESNO VARIANT. Identifiers: Orphanet 100, MedGen C0004135, MONDO:0008840, OMIM 208900.

Submissions (4):

Labcorp Genetics (formerly Invitae), Labcorp
Classification: Uncertain significance for Ataxia-telangiectasia syndrome. Last evaluated: 2026-01-14. Review status: criteria provided, single submitter. Criteria: Invitae Variant Classification Sherloc (09022015). Collection method: clinical testing. Allele origin: germline.
Comment: This variant, c.2593_2595del, results in the deletion of 1 amino acid(s) of the ATM protein (p.Ser865del), but otherwise preserves the integrity of the reading frame. This variant is not present in population databases (gnomAD no frequency). This variant has not been reported in the literature in individuals affected with ATM-related conditions. Experimental studies and prediction algorithms are not available or were not evaluated, and the functional significance of this variant is currently unknown. In summary, the available evidence is currently insufficient to determine the role of this variant in disease. Therefore, it has been classified as a Variant of Uncertain Significance.

Women's Health and Genetics/Laboratory Corporation of America, LabCorp
Classification: Uncertain significance. Last evaluated: 2026-01-05. Review status: criteria provided, single submitter. Criteria: LabCorp Variant Classification Summary - May 2015. Collection method: clinical testing. Allele origin: germline.
Comment: Variant summary: ATM c.2593_2595delAGT (p.Ser865del) results in an in-frame deletion that is predicted to remove 1 amino acid from the encoded protein. The variant was absent in 251434 control chromosomes. The available data on variant occurrences in the general population are insufficient to allow any conclusion about variant significance. To our knowledge, no occurrence of c.2593_2595delAGT in individuals affected with ATM-related conditions and no experimental evidence demonstrating its impact on protein function have been reported. ClinVar contains an entry for this variant (Variation ID: 216851). Based on the evidence outlined above, the variant was classified as uncertain significance.

Ambry Genetics
Classification: Uncertain significance for Hereditary cancer-predisposing syndrome. Last evaluated: 2025-09-09. Review status: criteria provided, single submitter. Criteria: Ambry Variant Classification Scheme 2023. Collection method: clinical testing. Allele origin: germline.
Comment: The c.2593_2595delAGT variant (also known as p.S865del) is located in coding exon 16 of the ATM gene. This variant results from an in-frame AGT deletion at nucleotide positions 2593 to 2595. This results in the in-frame deletion of a serine at codon 865. This amino acid position is not well conserved in available vertebrate species. In addition, the in silico prediction for this variant is inconclusive (Choi Y et al. PLoS ONE. 2012; 7(10):e46688). Based on the available evidence, the clinical significance of this variant remains unclear.

Natera, Inc.
Classification: Uncertain significance for Ataxia-telangiectasia. Last evaluated: 2021-03-31. Review status: no assertion criteria provided. Collection method: clinical testing. Allele origin: germline. Not counted in ClinVar's aggregate classification.